The following is an entry in ClinVar:

NM_006445.4(PRPF8):c.3935C>A (p.Pro1312His)

Gene: PRPF8 (pre-mRNA processing factor 8; minus strand). Cytogenetic location: 17p13.3.
Variant type: single nucleotide variant.
Coding change: c.3935C>A on transcript NM_006445.4 (MANE Select); coding-DNA position 3935, C replaced by A.
Protein change: p.Pro1312His; replaces proline 1312 with histidine.
Molecular consequence: missense variant.
Genome position (GRCh38, 1-based): chr17:1,661,993, G>T on the plus strand (C>A on the coding strand, the complement: PRPF8 is on the minus strand). VCF-style: chr17-1661993-G-T. GRCh37 (hg19) VCF-style: chr17-1565287-G-T.
Other names: short protein forms P1312H.
Identifiers: ClinVar variation 2575622 (VCV002575622.1), dbSNP rs2543735728, ClinGen allele CA397578889.

ClinVar aggregate classification (germline): Uncertain significance (1 of 4 stars; one submission).

Submission:

GeneDx
Classification: Uncertain significance. Last evaluated: 2023-02-12. Review status: criteria provided, single submitter. Criteria: GeneDx Variant Classification Process June 2021. Collection method: clinical testing. Allele origin: germline. Affected: yes.
Comment: Not observed at significant frequency in large population cohorts (gnomAD); In silico analysis supports that this missense variant has a deleterious effect on protein structure/function; Has not been previously published as pathogenic or benign to our knowledge